The following is an entry in ClinVar:

NM_001204.7(BMPR2):c.621+1G>T

Gene: BMPR2 (bone morphogenetic protein receptor type 2; plus strand). Cytogenetic location: 2q33.2.
Variant type: single nucleotide variant.
Coding change: c.621+1G>T on transcript NM_001204.7 (MANE Select); the canonical splice donor site of the intron after coding-DNA position 621, G replaced by T.
Molecular consequence: splice donor variant.
Genome position (GRCh38, 1-based): chr2:202,514,980, G>T. VCF-style: chr2-202514980-G-T. GRCh37 (hg19) VCF-style: chr2-203379703-G-T.
Identifiers: ClinVar variation 458628 (VCV000458628.9), dbSNP rs1553508321, ClinGen allele CA350339202.
Genomic context (GRCh38, chr2:202,514,980, plus strand): 5'-ATGATGGAGGCAGCAGCATCCGAACCCTCTCTTGATCTAGATAATCTGAAACTGTTGGAG[G>T]TAAGTTTGCCGTTAGATTATGGACTGTTGTTTCTACTGTGATACTAGACCTGGAACAGTG-3'

ClinVar aggregate classification (germline): Pathogenic/Likely pathogenic. Review status: criteria provided, multiple submitters, no conflicts (2 of 4 stars). 2 submissions from 2 submitters: Pathogenic (1); Likely pathogenic (1). Last evaluated 2023-05-26.

Conditions:
Primary pulmonary hypertension. Also called: Idiopathic pulmonary hypertension. Identifiers: MedGen C0152171.

Submissions (2):

GeneDx
Classification: Pathogenic. Last evaluated: 2023-05-26. Review status: criteria provided, single submitter. Criteria: GeneDx Variant Classification Process June 2021. Collection method: clinical testing. Allele origin: germline. Affected: yes.
Comment: Reported in a patient with idiopathic pulmonary arterial hypertension in the published literature (Jang et al., 2020); Not observed at significant frequency in large population cohorts (gnomAD); Canonical splice site variant predicted to result in a null allele in a gene for which loss of function is a known mechanism of disease; This variant is associated with the following publications: (PMID: 32966279)

Labcorp Genetics (formerly Invitae), Labcorp
Classification: Likely pathogenic for Primary pulmonary hypertension. Last evaluated: 2017-05-21. Review status: criteria provided, single submitter. Criteria: Invitae Variant Classification Sherloc (09022015). Collection method: clinical testing. Allele origin: germline.
Comment: In summary, the currently available evidence indicates that the variant is pathogenic, but additional data are needed to prove that conclusively. Therefore, this variant has been classified as Likely Pathogenic. Donor and acceptor splice site variants typically lead to a loss of protein function (PMID: 16199547), and loss-of-function variants in BMPR2 are known to be pathogenic (PMID: 16429395). Algorithms developed to predict the effect of sequence changes on RNA splicing suggest that this variant may disrupt the consensus splice site, but this prediction has not been confirmed by published transcriptional studies. This variant has not been reported in the literature in individuals with a BMPR2-related disease. This variant is not present in population databases (ExAC no frequency). This sequence change affects a donor splice site in intron 5 of the BMPR2 gene. It is expected to disrupt RNA splicing and likely results in an absent or disrupted protein product.

Literature cited by the submitters: PubMed 16199547 (cited by Labcorp Genetics (formerly Invitae), Labcorp); PubMed 16429395 (cited by Labcorp Genetics (formerly Invitae), Labcorp).